The following is an entry in ClinVar:

NM_015102.5(NPHP4):c.3822C>G (p.Asp1274Glu)

Gene: NPHP4 (nephrocystin 4; minus strand). Cytogenetic location: 1p36.31.
Variant type: single nucleotide variant.
Coding change: c.3822C>G on transcript NM_015102.5 (MANE Select); coding-DNA position 3822, C replaced by G.
Protein change: p.Asp1274Glu; replaces aspartic acid 1274 with glutamic acid.
Molecular consequence: missense variant. On other transcripts: non-coding transcript variant (1).
Genome position (GRCh38, 1-based): chr1:5,864,512, G>C on the plus strand (C>G on the coding strand, the complement: NPHP4 is on the minus strand). VCF-style: chr1-5864512-G-C. GRCh37 (hg19) VCF-style: chr1-5924572-G-C.
Other names: c.2283C>G, p.Asp761Glu (NM_001291593.2); c.2286C>G, p.Asp762Glu (NM_001291594.2); short protein forms D1274E, D761E, D762E.
Identifiers: ClinVar variation 4724142 (VCV004724142.1).

ClinVar aggregate classification (germline): Uncertain significance (1 of 4 stars; one submission).

Conditions:
Nephronophthisis. Also called: Juvenile Nephronophthisis. Identifiers: Orphanet 655, MedGen C0687120, MONDO:0019005, HP:0000090.

gnomAD v4.1: 3 of 1,571,060 alleles (0.00019%); highest among the groups gnomAD compares: South Asian, 0.0012%; no homozygotes.

Submission:

Labcorp Genetics (formerly Invitae), Labcorp
Classification: Uncertain significance for Nephronophthisis. Last evaluated: 2026-01-13. Review status: criteria provided, single submitter. Criteria: Invitae Variant Classification Sherloc (09022015). Collection method: clinical testing. Allele origin: germline.
Comment: This sequence change replaces aspartic acid, which is acidic and polar, with glutamic acid, which is acidic and polar, at codon 1274 of the NPHP4 protein (p.Asp1274Glu). This variant is not present in population databases (gnomAD no frequency). This variant has not been reported in the literature in individuals affected with NPHP4-related conditions. Invitae Evidence Modeling of protein sequence and biophysical properties (such as structural, functional, and spatial information, amino acid conservation, physicochemical variation, residue mobility, and thermodynamic stability) indicates that this missense variant is not expected to disrupt NPHP4 protein function with a negative predictive value of 80%. In summary, the available evidence is currently insufficient to determine the role of this variant in disease. Therefore, it has been classified as a Variant of Uncertain Significance.